The following is an entry in ClinVar:

ClinVar aggregate classification (germline): Uncertain significance (1 of 4 stars; one submission).

Conditions:
COG5-congenital disorder of glycosylation. Also called: COG5-CDG; CDG IIi; CONGENITAL DISORDER OF GLYCOSYLATION, TYPE IIi. Identifiers: Orphanet 263487, MedGen C3150876, MONDO:0013325, OMIM 613612.

Allele frequency attached by ClinVar (database versions not stated): gnomAD exomes below 0.00001; TOPMed below 0.00001.

Submission:

Labcorp Genetics (formerly Invitae), Labcorp
Classification: Uncertain significance for COG5-congenital disorder of glycosylation. Last evaluated: 2021-08-17. Review status: criteria provided, single submitter. Criteria: Invitae Variant Classification Sherloc (09022015). Collection method: clinical testing. Allele origin: germline.
Comment: This sequence change replaces arginine with cysteine at codon 19 of the COG5 protein (p.Arg19Cys). The arginine residue is weakly conserved and there is a large physicochemical difference between arginine and cysteine. This variant is not present in population databases (ExAC no frequency). This variant has not been reported in the literature in individuals affected with COG5-related conditions. Algorithms developed to predict the effect of missense changes on protein structure and function are either unavailable or do not agree on the potential impact of this missense change (SIFT: "Tolerated"; PolyPhen-2: "Possibly Damaging"; Align-GVGD: "Class C0"). In summary, the available evidence is currently insufficient to determine the role of this variant in disease. Therefore, it has been classified as a Variant of Uncertain Significance.

NC_000007.14:g.107563935G>A

Gene: COG5 (component of oligomeric golgi complex 5; minus strand). Cytogenetic location: 7q22.3.
Variant type: single nucleotide variant.
Genome position: GRCh38 VCF-style: chr7-107563935-G-A. GRCh37 (hg19) VCF-style: chr7-107204380-G-A.
Identifiers: ClinVar variation 1431311 (VCV001431311.6), dbSNP rs1245430599, ClinGen allele CA368826874.